The following is an entry in ClinVar:

NM_002755.4(MAP2K1):c.214A>C (p.Ser72Arg)

Gene: MAP2K1 (mitogen-activated protein kinase kinase 1; plus strand). Cytogenetic location: 15q22.31.
Variant type: single nucleotide variant.
Coding change: c.214A>C on transcript NM_002755.4 (MANE Select); coding-DNA position 214, A replaced by C.
Protein change: p.Ser72Arg; replaces serine 72 with arginine.
Molecular consequence: missense variant.
Genome position (GRCh38, 1-based): chr15:66,435,160, A>C. VCF-style: chr15-66435160-A-C. GRCh37 (hg19) VCF-style: chr15-66727498-A-C.
Other names: c.148A>C, p.Ser50Arg (NM_001411065.1); short protein forms S50R, S72R.
Identifiers: ClinVar variation 3713191 (VCV003713191.3).

ClinVar aggregate classification (germline): Uncertain significance. Review status: criteria provided, multiple submitters, no conflicts (2 of 4 stars). 2 submissions from 2 submitters: Uncertain significance (2). Last evaluated 2026-09-12.

Conditions:
RASopathy. Also called: Noonan spectrum disorder; rasopathies. Identifiers: Orphanet 536391, MedGen C5555857, MONDO:0021060.
Cardiovascular phenotype. Identifiers: MedGen CN230736.

gnomAD v4.1: 1 of 1,614,140 alleles (0.000062%); highest among the groups gnomAD compares: South Asian, 0.0011%; no homozygotes.

Submissions (2):

Ambry Genetics
Classification: Uncertain significance for Cardiovascular phenotype. Last evaluated: 2026-09-12. Review status: criteria provided, single submitter. Criteria: Ambry Variant Classification Scheme 2023. Collection method: clinical testing. Allele origin: germline.
Comment: The p.S72R variant (also known as c.214A>C), located in coding exon 2 of the MAP2K1 gene, results from an A to C substitution at nucleotide position 214. The serine at codon 72 is replaced by arginine, an amino acid with dissimilar properties. This amino acid position is conserved. In addition, the in silico prediction for this alteration is inconclusive. Based on the available evidence, the clinical significance of this variant remains unclear.

Labcorp Genetics (formerly Invitae), Labcorp
Classification: Uncertain significance for RASopathy. Last evaluated: 2024-09-14. Review status: criteria provided, single submitter. Criteria: Invitae Variant Classification Sherloc (09022015). Collection method: clinical testing. Allele origin: germline.
Comment: This sequence change replaces serine, which is neutral and polar, with arginine, which is basic and polar, at codon 72 of the MAP2K1 protein (p.Ser72Arg). This variant is not present in population databases (gnomAD no frequency). This variant has not been reported in the literature in individuals affected with MAP2K1-related conditions. Invitae Evidence Modeling of protein sequence and biophysical properties (such as structural, functional, and spatial information, amino acid conservation, physicochemical variation, residue mobility, and thermodynamic stability) indicates that this missense variant is not expected to disrupt MAP2K1 protein function with a negative predictive value of 80%. In summary, the available evidence is currently insufficient to determine the role of this variant in disease. Therefore, it has been classified as a Variant of Uncertain Significance.